The following is an entry in ClinVar:

ClinVar aggregate classification (germline): Uncertain significance (1 of 4 stars; one submission).

Submission:

Labcorp Genetics (formerly Invitae), Labcorp
Classification: Uncertain significance. Last evaluated: 2022-10-17. Review status: criteria provided, single submitter. Criteria: Invitae Variant Classification Sherloc (09022015). Collection method: clinical testing. Allele origin: germline.
Comment: Experimental studies and prediction algorithms are not available or were not evaluated, and the functional significance of this variant is currently unknown. In summary, the available evidence is currently insufficient to determine the role of this variant in disease. Therefore, it has been classified as a Variant of Uncertain Significance. This variant has not been reported in the literature in individuals affected with FAT2-related conditions. Information on the frequency of this variant in the gnomAD database is not available, as this variant may be reported differently in the database. This sequence change replaces proline, which is neutral and non-polar, with threonine, which is neutral and polar, at codon 4288 of the FAT2 protein (p.Pro4288Thr).

NM_001447.3(FAT2):c.12861_12862delinsAA (p.Pro4288Thr)

Genes: FAT2 (FAT atypical cadherin 2; minus strand), SLC36A1 (solute carrier family 36 member 1; plus strand). Cytogenetic location: 5q33.1.
Variant type: Indel.
Coding change: c.12861_12862delinsAA on transcript NM_001447.3 (MANE Select); coding-DNA positions 12861 to 12862, GC replaced by AA.
Protein change: p.Pro4288Thr; replaces proline 4288 with threonine.
Molecular consequence: missense variant.
Genome position (GRCh38, 1-based): chr5:151,505,753-151,505,754, GC replaced by TT on the plus strand (GC replaced by AA on the coding strand, the reverse complement: FAT2 is on the minus strand). VCF-style: chr5-151505753-GC-TT. GRCh37 (hg19) VCF-style: chr5-150885314-GC-TT.
Other names: short protein forms P4288T.
Identifiers: ClinVar variation 1905943 (VCV001905943.5), dbSNP rs2480853158, ClinGen allele CA2580073902.
Genomic context (GRCh38, chr5:151,505,753, plus strand): 5'-AGGGCCCAGCTCGGCTGAGGCGCATACCCACCCCCTTGTAGCCCCCGTCTGCCAGGCAGG[GC>TT]CCTCCCCCTCCCTGCCGGAACTGCGAGTGGTAGTAGCTGATGGCCGTGTACTCATTGAGA-3'
Protein context (NP_001438.1, residues 4278-4298): HSQFRQGGGG[Pro4288Thr]CLADGGYKGV